The following is an entry in ClinVar:

NM_001267550.2(TTN):c.106375-3C>T

Genes: TTN (titin; minus strand), TTN-AS1 (TTN antisense RNA 1; plus strand). Cytogenetic location: 2q31.2.
Variant type: single nucleotide variant.
Coding change: c.106375-3C>T on transcript NM_001267550.2 (MANE Select); 3 bases into the intron before coding-DNA position 106375, C replaced by T.
Molecular consequence: intron variant.
Genome position (GRCh38, 1-based): chr2:178,530,119, G>A on the plus strand (C>T on the coding strand, the complement: TTN is on the minus strand). VCF-style: chr2-178530119-G-A. GRCh37 (hg19) VCF-style: chr2-179394846-G-A.
Other names: c.79180-3C>T (NM_003319.4); c.79756-3C>T (NM_133437.4); c.79555-3C>T (NM_133432.3); c.98671-3C>T (NM_133378.4); c.101452-3C>T (NM_001256850.1).
Identifiers: ClinVar variation 862266 (VCV000862266.10), dbSNP rs1688412007, ClinGen allele CA916081320.
Genomic context (GRCh38, chr2:178,530,119, plus strand): 5'-CTAAGAAGAACCCTCCCTTGTCTTCAGAGAGTTTATATTTACCTCCTTGTGTAATGGCCT[G>A]TAGAATGCAAATGATTTGTGTTTTAAAAAGTGATTTCATTTTAAGCTTTTTTTGGGAAGC-3'

ClinVar aggregate classification (germline): Uncertain significance (1 of 4 stars; one submission).

Conditions:
Dilated cardiomyopathy 1G (CMD1G). Identifiers: Orphanet 154, MedGen C1858763, MONDO:0011400, OMIM 604145.
Autosomal recessive limb-girdle muscular dystrophy type 2J (LGMDR10). Also called: Limb-girdle muscular dystrophy, type 2J; MUSCULAR DYSTROPHY, LIMB-GIRDLE, AUTOSOMAL RECESSIVE 10. Identifiers: Orphanet 140922, MedGen C1837342, MONDO:0012127, OMIM 608807.

Submission:

Labcorp Genetics (formerly Invitae), Labcorp
Classification: Uncertain significance for Dilated cardiomyopathy 1G; Autosomal recessive limb-girdle muscular dystrophy type 2J. Last evaluated: 2022-11-08. Review status: criteria provided, single submitter. Criteria: Invitae Variant Classification Sherloc (09022015). Collection method: clinical testing. Allele origin: germline.
Comment: In summary, the available evidence is currently insufficient to determine the role of this variant in disease. Therefore, it has been classified as a Variant of Uncertain Significance. Variants that disrupt the consensus splice site are a relatively common cause of aberrant splicing (PMID: 17576681, 9536098). Algorithms developed to predict the effect of sequence changes on RNA splicing suggest that this variant is not likely to affect RNA splicing. ClinVar contains an entry for this variant (Variation ID: 862266). This variant has not been reported in the literature in individuals affected with TTN-related conditions. This variant is not present in population databases (gnomAD no frequency). This sequence change falls in intron 358 of the TTN gene. It does not directly change the encoded amino acid sequence of the TTN protein. It affects a nucleotide within the consensus splice site.

Literature cited by the submitters: PubMed 17576681; PubMed 9536098.